The following is an entry in ClinVar:

ClinVar aggregate classification (germline): Uncertain significance (1 of 4 stars; one submission).

gnomAD v4.1: 1 of 1,614,104 alleles (0.000062%); highest among the groups gnomAD compares: Non-Finnish European, 0.000085%; no homozygotes.

Submission:

Labcorp Genetics (formerly Invitae), Labcorp
Classification: Uncertain significance. Last evaluated: 2023-05-30. Review status: criteria provided, single submitter. Criteria: Invitae Variant Classification Sherloc (09022015). Collection method: clinical testing. Allele origin: germline.
Comment: This sequence change replaces valine, which is neutral and non-polar, with aspartic acid, which is acidic and polar, at codon 209 of the CPOX protein (p.Val209Asp). This variant is not present in population databases (gnomAD no frequency). In summary, the available evidence is currently insufficient to determine the role of this variant in disease. Therefore, it has been classified as a Variant of Uncertain Significance. Advanced modeling of protein sequence and biophysical properties (such as structural, functional, and spatial information, amino acid conservation, physicochemical variation, residue mobility, and thermodynamic stability) has been performed at Invitae for this missense variant, however the output from this modeling did not meet the statistical confidence thresholds required to predict the impact of this variant on CPOX protein function. This missense change has been observed in individual(s) with clinical features of hereditary coproporphyria (PMID: 30385147).

Literature cited by the submitters: PubMed 30385147.

NM_000097.7(CPOX):c.626T>A (p.Val209Asp)

Gene: CPOX (coproporphyrinogen oxidase; minus strand). Cytogenetic location: 3q11.2.
Variant type: single nucleotide variant.
Coding change: c.626T>A on transcript NM_000097.7 (MANE Select); coding-DNA position 626, T replaced by A.
Protein change: p.Val209Asp; replaces valine 209 with aspartic acid.
Molecular consequence: missense variant.
Genome position (GRCh38, 1-based): chr3:98,591,086, A>T on the plus strand (T>A on the coding strand, the complement: CPOX is on the minus strand). VCF-style: chr3-98591086-A-T. GRCh37 (hg19) VCF-style: chr3-98309930-A-T.
Other names: short protein forms V209D.
Identifiers: ClinVar variation 2971444 (VCV002971444.3), dbSNP rs2472116679, ClinGen allele CA353646050.